The following is an entry in ClinVar:

ClinVar aggregate classification (germline): Likely pathogenic. Review status: criteria provided, multiple submitters, no conflicts (2 of 4 stars). 2 submissions from 2 submitters: Likely pathogenic (2). Last evaluated 2025-10-27.

Conditions:
Ehlers-Danlos syndrome due to tenascin-X deficiency (EDSCLL1). Also called: EDS DUE TO TNX DEFICIENCY; TNX DEFICIENCY; TNXB-Related Classical-Like Ehlers-Danlos Syndrome; EHLERS-DANLOS SYNDROME, CLASSIC-LIKE; Ehlers-Danlos syndrome, classic-like, 1. Identifiers: Orphanet 230839, MedGen C1848029, MONDO:0011670, OMIM 606408.
Vesicoureteral reflux 8 (VUR8). Identifiers: Orphanet 289365, MedGen C4014831, MONDO:0014422, OMIM 615963.

gnomAD v4.1: 23 of 1,613,394 alleles (0.0014%); highest among the groups gnomAD compares: Non-Finnish European, 0.0019%; no homozygotes.

Submissions (2):

Women's Health and Genetics/Laboratory Corporation of America, LabCorp
Classification: Likely pathogenic for Ehlers-Danlos syndrome due to tenascin-X deficiency. Last evaluated: 2025-10-27. Review status: criteria provided, single submitter. Criteria: LabCorp Variant Classification Summary - May 2015. Collection method: clinical testing. Allele origin: germline.
Comment: Variant summary: TNXB c.11381-2A>G is located in a canonical splice-site and is predicted to affect mRNA splicing resulting in a significantly altered protein due to either exon skipping, shortening, or inclusion of intronic material. Variants that disrupt the consensus splice site are a relatively common cause of aberrant splicing and loss of TNXB function. Several computational tools predict a significant impact on normal splicing: Four predict the variant abolishes a 3' acceptor site. However, these predictions have yet to be confirmed by functional studies. The variant allele was found at a frequency of 8e-06 in 251040 control chromosomes. To our knowledge, no occurrence of c.11381-2A>G in individuals affected with TNXB-related conditions and no experimental evidence demonstrating its impact on protein function have been reported. ClinVar contains an entry for this variant (Variation ID: 3593447). Based on the evidence outlined above, the variant was classified as likely pathogenic.

Fulgent Genetics
Classification: Likely pathogenic for Ehlers-Danlos syndrome due to tenascin-X deficiency; Vesicoureteral reflux 8. Last evaluated: 2024-05-10. Review status: criteria provided, single submitter. Criteria: ACMG Guidelines, 2015. Collection method: clinical testing. Allele origin: germline.

NM_001365276.2(TNXB):c.11387-2A>G

Genes: TNXB (tenascin XB; minus strand), LOC106780803 (tenascin XB recombination region; plus strand). Cytogenetic location: 6p21.33.
Variant type: single nucleotide variant.
Coding change: c.11387-2A>G on transcript NM_001365276.2 (MANE Select); the canonical splice acceptor site of the intron before coding-DNA position 11387, A replaced by G.
Molecular consequence: splice acceptor variant.
Genome position (GRCh38, 1-based): chr6:32,043,894, T>C on the plus strand (A>G on the coding strand, the complement: TNXB is on the minus strand). VCF-style: chr6-32043894-T-C. GRCh37 (hg19) VCF-style: chr6-32011671-T-C.
Other names: c.11381-2A>G (NM_019105.8); c.12128-2A>G (NM_001428335.1); c.674-2A>G (NM_032470.4).
Identifiers: ClinVar variation 3593447 (VCV003593447.2).